The following is an entry in ClinVar:

NM_004104.5(FASN):c.3988A>T (p.Ser1330Cys)

Gene: FASN (fatty acid synthase; minus strand). Cytogenetic location: 17q25.3.
Variant type: single nucleotide variant.
Coding change: c.3988A>T on transcript NM_004104.5 (MANE Select); coding-DNA position 3988, A replaced by T.
Protein change: p.Ser1330Cys; replaces serine 1330 with cysteine.
Molecular consequence: missense variant.
Genome position (GRCh38, 1-based): chr17:82,085,616, T>A on the plus strand (A>T on the coding strand, the complement: FASN is on the minus strand). VCF-style: chr17-82085616-T-A. GRCh37 (hg19) VCF-style: chr17-80043492-T-A.
Other names: short protein forms S1330C.
Identifiers: ClinVar variation 943527 (VCV000943527.8), dbSNP rs1298794499, ClinGen allele CA401549422.

ClinVar aggregate classification (germline): Uncertain significance (1 of 4 stars; one submission).

Conditions:
Epileptic encephalopathy. Identifiers: MedGen C0543888, HP:0200134.

Allele frequency attached by ClinVar (database versions not stated): gnomAD 0.00001 and 0.00002; gnomAD exomes 0.00001; TOPMed 0.00001; 1000 Genomes Project 30x 0.00016.
gnomAD v4.1: 49 of 1,599,894 alleles (0.0031%); highest among the groups gnomAD compares: Non-Finnish European, 0.0038%; no homozygotes.

Submission:

Labcorp Genetics (formerly Invitae), Labcorp
Classification: Uncertain significance for Epileptic encephalopathy. Last evaluated: 2019-09-27. Review status: criteria provided, single submitter. Criteria: Invitae Variant Classification Sherloc (09022015). Collection method: clinical testing. Allele origin: germline.
Comment: In summary, the available evidence is currently insufficient to determine the role of this variant in disease. Therefore, it has been classified as a Variant of Uncertain Significance. Algorithms developed to predict the effect of missense changes on protein structure and function are either unavailable or do not agree on the potential impact of this missense change (SIFT: "Deleterious"; PolyPhen-2: "Possibly Damaging"; Align-GVGD: "Class C15"). This variant has not been reported in the literature in individuals with FASN-related conditions. This variant is not present in population databases (ExAC no frequency). This sequence change replaces serine with cysteine at codon 1330 of the FASN protein (p.Ser1330Cys). The serine residue is weakly conserved and there is a moderate physicochemical difference between serine and cysteine.